The following is an entry in ClinVar:

NM_018136.5(ASPM):c.1388G>A (p.Ser463Asn)

Gene: ASPM (assembly factor for spindle microtubules; minus strand). Cytogenetic location: 1q31.3.
Variant type: single nucleotide variant.
Coding change: c.1388G>A on transcript NM_018136.5 (MANE Select); coding-DNA position 1388, G replaced by A.
Protein change: p.Ser463Asn; replaces serine 463 with asparagine.
Molecular consequence: missense variant.
Genome position (GRCh38, 1-based): chr1:197,142,864, C>T on the plus strand (G>A on the coding strand, the complement: ASPM is on the minus strand). VCF-style: chr1-197142864-C-T. GRCh37 (hg19) VCF-style: chr1-197111994-C-T.
Other names: c.1388G>A, p.Ser463Asn (NM_001206846.2); short protein forms S463N.
Identifiers: ClinVar variation 157780 (VCV000157780.48), dbSNP rs587783218, ClinGen allele CA271001.

ClinVar aggregate classification (germline): Conflicting classifications of pathogenicity. Review status: criteria provided, conflicting classifications (1 of 4 stars). 5 submissions from 5 submitters: Uncertain significance (4); Likely benign (1). Last evaluated 2022-10-01.

Conditions:
Inborn genetic diseases. Identifiers: MedGen C0950123, MeSH D030342.
Microcephaly 5, primary, autosomal recessive (MCPH5). Also called: ASPM Primary Microcephaly. Identifiers: Orphanet 2512, MedGen C1837501, MONDO:0012106, OMIM 608716.

Allele frequency attached by ClinVar (database versions not stated): gnomAD 0.00006 and 0.00005; TOPMed 0.00006; gnomAD exomes 0.00007 and 0.00005; ExAC 0.00004.
gnomAD v4.1: 89 of 1,613,100 alleles (0.0055%); highest among the groups gnomAD compares: Middle Eastern, 0.15%; 1 homozygote.

Submissions (5):

CeGaT Center for Human Genetics Tuebingen
Classification: Likely benign. Last evaluated: 2022-10-01. Review status: criteria provided, single submitter. Criteria: CeGaT Center For Human Genetics Tuebingen Variant Classification Criteria Version 2. Collection method: clinical testing. Allele origin: germline. Affected: yes. Observed: 2 variant alleles.
Comment: ASPM: BP4

Labcorp Genetics (formerly Invitae), Labcorp
Classification: Uncertain significance. Last evaluated: 2021-10-05. Review status: criteria provided, single submitter. Criteria: Invitae Variant Classification Sherloc (09022015). Collection method: clinical testing. Allele origin: germline.
Comment: This sequence change replaces serine with asparagine at codon 463 of the ASPM protein (p.Ser463Asn). The serine residue is weakly conserved and there is a small physicochemical difference between serine and asparagine. This variant is present in population databases (rs587783218, ExAC 0.03%). This variant has been observed in individual(s) with clinical features of primary microcephaly (PMID: 23611254). ClinVar contains an entry for this variant (Variation ID: 157780). Algorithms developed to predict the effect of missense changes on protein structure and function output the following: SIFT: "Tolerated"; PolyPhen-2: "Benign"; Align-GVGD: "Class C0". The asparagine amino acid residue is found in multiple mammalian species, which suggests that this missense change does not adversely affect protein function. In summary, the available evidence is currently insufficient to determine the role of this variant in disease. Therefore, it has been classified as a Variant of Uncertain Significance.

Ambry Genetics
Classification: Uncertain significance for Inborn genetic diseases. Last evaluated: 2021-07-08. Review status: criteria provided, single submitter. Criteria: Ambry Variant Classification Scheme 2023. Collection method: clinical testing. Allele origin: germline.

Fulgent Genetics
Classification: Uncertain significance for Microcephaly 5, primary, autosomal recessive. Last evaluated: 2018-10-31. Review status: criteria provided, single submitter. Criteria: ACMG Guidelines, 2015. Collection method: clinical testing. Allele origin: unknown.

Genetic Services Laboratory, University of Chicago
Classification: Uncertain significance for Microcephaly 5, primary, autosomal recessive. Last evaluated: 2013-02-08. Review status: criteria provided, single submitter. Criteria: ACMG Guidelines, 2007. Collection method: clinical testing. Allele origin: germline. Inheritance: Autosomal recessive inheritance.

Literature cited by the submitters: PubMed 23611254 (cited by Labcorp Genetics (formerly Invitae), Labcorp).